The following is an entry in ClinVar:

NM_022132.5(MCCC2):c.1064T>A (p.Leu355Ter)

Gene: MCCC2 (methylcrotonyl-CoA carboxylase subunit 2; plus strand). Cytogenetic location: 5q13.2.
Variant type: single nucleotide variant.
Coding change: c.1064T>A on transcript NM_022132.5 (MANE Select); coding-DNA position 1064, T replaced by A.
Protein change: p.Leu355Ter; replaces leucine 355 with a stop codon.
Molecular consequence: nonsense.
Genome position (GRCh38, 1-based): chr5:71,641,067, T>A. VCF-style: chr5-71641067-T-A. GRCh37 (hg19) VCF-style: chr5-70936894-T-A.
Other names: c.950T>A, p.Leu317Ter (NM_001363147.1); short protein forms L355*, L317*.
Identifiers: ClinVar variation 958438 (VCV000958438.12), dbSNP rs751393852, ClinGen allele CA3297990.

ClinVar aggregate classification (germline): Pathogenic/Likely pathogenic. Review status: criteria provided, multiple submitters, no conflicts (2 of 4 stars). 3 submissions from 3 submitters: Pathogenic (2); Likely pathogenic (1). Last evaluated 2025-02-19.

Conditions:
3-methylcrotonyl-CoA carboxylase 2 deficiency. Also called: 3 alpha methylcrotonyl-CoA carboxylase 2 deficiency; 3 alpha methylcrotonylglycinuria 2; MCC 2 deficiency; Methylcrotonylglycinuria type 2; METHYLCROTONYLGLYCINURIA, TYPE II. Identifiers: Orphanet 6, MedGen C1859499, MONDO:0008862, OMIM 210210.

Allele frequency attached by ClinVar (database versions not stated): TOPMed 0.00001; gnomAD exomes 0.00002 and below 0.00001; ExAC 0.00001; gnomAD 0.00001.
gnomAD v4.1: 35 of 1,613,298 alleles (0.0022%); highest among the groups gnomAD compares: Non-Finnish European, 0.0029%; no homozygotes.

Submissions (3):

Natera, Inc.
Classification: Likely pathogenic for 3-methylcrotonyl-CoA carboxylase 2 deficiency. Last evaluated: 2025-02-19. Review status: criteria provided, single submitter. Criteria: Natera Variant Classification Schema (03/2026). Collection method: clinical testing. Allele origin: germline.
Comment: The c.1064T>A variant in MCCC2 is a nonsense variant predicted to introduce a stop codon at amino acid 355. This variant is expected to result in nonsense mediated decay, truncation, or a dysfunctional protein product. This variant is rare in the general population with a frequency below the threshold expected for the associated phenotype(s). Given the available evidence, this variant is classified as Likely Pathogenic.

Myriad Genetics, Inc.
Classification: Pathogenic for 3-methylcrotonyl-CoA carboxylase 2 deficiency. Last evaluated: 2024-05-14. Review status: criteria provided, single submitter. Criteria: Myriad Autosomal Dominant, Autosomal Recessive and X-Linked Classification Criteria (2023). Collection method: clinical testing. Allele origin: unknown.
Comment: NM_022132.4(MCCC2):c.1064T>A(L355*) is expected to be pathogenic in the context of 3-methylcrotonyl-CoA carboxylase deficiency, MCCC2-related. This variant is predicted to lead to an abnormal or absent protein product due to the creation of a premature termination codon in MCCC2, a gene where loss-of-function variants are known to be pathogenic. Please note: this variant was assessed in the context of healthy population screening.

Labcorp Genetics (formerly Invitae), Labcorp
Classification: Pathogenic for 3-methylcrotonyl-CoA carboxylase 2 deficiency. Last evaluated: 2023-11-03. Review status: criteria provided, single submitter. Criteria: Invitae Variant Classification Sherloc (09022015). Collection method: clinical testing. Allele origin: germline.
Comment: This sequence change creates a premature translational stop signal (p.Leu355*) in the MCCC2 gene. It is expected to result in an absent or disrupted protein product. Loss-of-function variants in MCCC2 are known to be pathogenic (PMID: 11181649, 22642865). This variant is present in population databases (rs751393852, gnomAD 0.002%). This variant has not been reported in the literature in individuals affected with MCCC2-related conditions. ClinVar contains an entry for this variant (Variation ID: 958438). For these reasons, this variant has been classified as Pathogenic.

Literature cited by the submitters: PubMed 11181649 (cited by Labcorp Genetics (formerly Invitae), Labcorp); PubMed 22642865 (cited by Labcorp Genetics (formerly Invitae), Labcorp).